The following is an entry in ClinVar:

ClinVar aggregate classification (germline): Pathogenic (1 of 4 stars; one submission).

Submission:

GeneDx
Classification: Pathogenic. Last evaluated: 2018-12-06. Review status: criteria provided, single submitter. Criteria: GeneDx Variant Classification (06012015). Collection method: clinical testing. Allele origin: germline. Affected: yes.
Comment: The c.4947_4948dupTA pathogenic variant in the ANKRD11 gene causes a frameshift starting with codon Lysine 1650, changes this amino acid to an Isoleucine residue and creates a premature Stop codon at position 37 of the new reading frame, denoted p.Lys1650IlefsX37. This pathogenic variant is predicted to cause loss of normal protein function either through protein truncation or nonsense-mediated mRNA decay. This variant is not observed in large population cohorts (Lek et al., 2016).

NM_013275.6(ANKRD11):c.4947_4948dup (p.Lys1650fs)

Gene: ANKRD11 (ankyrin repeat domain containing 11; minus strand). Cytogenetic location: 16q24.3.
Variant type: Duplication.
Coding change: c.4947_4948dup on transcript NM_013275.6 (MANE Select); coding-DNA positions 4947 to 4948, 2 bases duplicated (TA; older notation c.4947_4948dupTA).
Protein change: p.Lys1650fs; shifts the reading frame from lysine 1650.
Molecular consequence: frameshift variant.
Genome position (GRCh38, 1-based): chr16:89,281,594-89,281,595, TA duplicated on the plus strand (TA on the coding strand, the reverse complement: ANKRD11 is on the minus strand). VCF-style (leftmost placement, unchanged base first): chr16-89281593-T-TTA. GRCh37 (hg19) VCF-style: chr16-89348001-T-TTA.
Other names: c.4947_4948dup, p.Lys1650fs (NM_001256182.2, NM_001256183.2); short protein forms K1650fs.
Identifiers: ClinVar variation 817940 (VCV000817940.1), dbSNP rs1597449183, ClinGen allele CA915949416.